The following is an entry in ClinVar:

NM_001174150.2(ARL13B):c.360A>G (p.Ile120Met)

Gene: ARL13B (ARF like GTPase 13B; plus strand). Cytogenetic location: 3q11.2.
Variant type: single nucleotide variant.
Coding change: c.360A>G on transcript NM_001174150.2 (MANE Select); coding-DNA position 360, A replaced by G.
Protein change: p.Ile120Met; replaces isoleucine 120 with methionine.
Molecular consequence: missense variant. On other transcripts: intron variant (1).
Genome position (GRCh38, 1-based): chr3:94,003,888, A>G. VCF-style: chr3-94003888-A-G. GRCh37 (hg19) VCF-style: chr3-93722732-A-G.
Other names: c.51A>G, p.Ile17Met (NM_001174151.2); c.315A>G, p.Ile105Met (NM_001321328.2); c.360A>G, p.Ile120Met (NM_182896.3); c.59+23406A>G (NM_144996.4); short protein forms I105M, I120M, I17M.
Identifiers: ClinVar variation 1493493 (VCV001493493.7), dbSNP rs1258750655, ClinGen allele CA353675808.

ClinVar aggregate classification (germline): Uncertain significance (1 of 4 stars; one submission).

Conditions:
Joubert syndrome 8 (JBTS8). Identifiers: Orphanet 475, MedGen C2676771, MONDO:0012855, OMIM 612291.

Allele frequency attached by ClinVar (database versions not stated): gnomAD 0.00001; TOPMed 0.00001.
gnomAD v4.1: 3 of 1,613,246 alleles (0.00019%); highest among the groups gnomAD compares: Non-Finnish European, 0.00025%; no homozygotes.

Submission:

Labcorp Genetics (formerly Invitae), Labcorp
Classification: Uncertain significance for Joubert syndrome 8. Last evaluated: 2021-02-01. Review status: criteria provided, single submitter. Criteria: Invitae Variant Classification Sherloc (09022015). Collection method: clinical testing. Allele origin: germline.
Comment: In summary, the available evidence is currently insufficient to determine the role of this variant in disease. Therefore, it has been classified as a Variant of Uncertain Significance. Algorithms developed to predict the effect of missense changes on protein structure and function are either unavailable or do not agree on the potential impact of this missense change (SIFT: "Deleterious"; PolyPhen-2: "Probably Damaging"; Align-GVGD: "Class C0"). This variant has not been reported in the literature in individuals with ARL13B-related conditions. This variant is not present in population databases (ExAC no frequency). This sequence change replaces isoleucine with methionine at codon 120 of the ARL13B protein (p.Ile120Met). The isoleucine residue is moderately conserved and there is a small physicochemical difference between isoleucine and methionine.